The following is an entry in ClinVar:

NM_001792.5(CDH2):c.1435C>T (p.Gln479Ter)

Gene: CDH2 (cadherin 2; minus strand). Cytogenetic location: 18q12.1.
Variant type: single nucleotide variant.
Coding change: c.1435C>T on transcript NM_001792.5 (MANE Select); coding-DNA position 1435, C replaced by T.
Protein change: p.Gln479Ter; replaces glutamine 479 with a stop codon.
Molecular consequence: nonsense.
Genome position (GRCh38, 1-based): chr18:27,990,260, G>A on the plus strand (C>T on the coding strand, the complement: CDH2 is on the minus strand). VCF-style: chr18-27990260-G-A. GRCh37 (hg19) VCF-style: chr18-25570224-G-A.
Other names: c.1342C>T, p.Gln448Ter (NM_001308176.2); short protein forms Q448*, Q479*.
Identifiers: ClinVar variation 4888177 (VCV004888177.1).
Genomic context (GRCh38, chr18:27,990,260, plus strand): 5'-GGGCAAAATAAGGGTTTTCATTTACGTCAATAACTGTAACAGACACGGTTGCAGTTGACT[G>A]AGGGGGGTGCTGAATTCCCTTGGCTAATGGCACTTGATTTTCTGCAGCAACAGTAAGGAC-3'

ClinVar aggregate classification (germline): Uncertain significance (1 of 4 stars; one submission).

gnomAD v4.1: 1 of 1,614,066 alleles (0.000062%); highest among the groups gnomAD compares: Non-Finnish European, 0.000085%; no homozygotes.

Submission:

GeneDx
Classification: Uncertain significance. Last evaluated: 2026-02-13. Review status: criteria provided, single submitter. Criteria: GeneDx Variant Classification Process June 2021. Collection method: clinical testing. Allele origin: germline.
Comment: Nonsense variant predicted to result in protein truncation or nonsense mediated decay in a gene for which loss of function is a known mechanism of disease; Has not been previously published as pathogenic or benign to our knowledge